The following is an entry in ClinVar:

ClinVar aggregate classification (germline): Pathogenic. Review status: criteria provided, multiple submitters, no conflicts (2 of 4 stars). 2 submissions from 2 submitters: Pathogenic (2). Last evaluated 2026-05-01.

Conditions:
Niemann-Pick disease, type C1. Also called: NEUROVISCERAL STORAGE DISEASE WITH VERTICAL SUPRANUCLEAR OPHTHALMOPLEGIA; NIEMANN-PICK DISEASE WITH CHOLESTEROL ESTERIFICATION BLOCK; NIEMANN-PICK DISEASE WITHOUT SPHINGOMYELINASE DEFICIENCY; NIEMANN-PICK DISEASE, CHRONIC NEURONOPATHIC FORM; NIEMANN-PICK DISEASE, VARIANT TYPE C1. Identifiers: Orphanet 646, MedGen C3179455, MONDO:0009757, OMIM 257220.

Submissions (2):

Myriad Genetics, Inc.
Classification: Pathogenic for Niemann-Pick disease, type C1. Last evaluated: 2026-05-01. Review status: criteria provided, single submitter. Criteria: Myriad Autosomal Dominant, Autosomal Recessive and X-Linked Classification Criteria (2023). Collection method: clinical testing. Allele origin: unknown.
Comment: NM_000271.4(NPC1):c.2591_2594delTTTC(L864Rfs*71) is expected to be pathogenic in the context of Niemann-Pick disease type C1. This variant is predicted to lead to an abnormal or absent protein product due to the creation of a premature termination codon in NPC1, a gene where loss-of-function variants are known to be pathogenic. Please note: this variant was assessed in the context of healthy population screening.

Labcorp Genetics (formerly Invitae), Labcorp
Classification: Pathogenic for Niemann-Pick disease, type C1. Last evaluated: 2022-11-05. Review status: criteria provided, single submitter. Criteria: Invitae Variant Classification Sherloc (09022015). Collection method: clinical testing. Allele origin: germline.
Comment: For these reasons, this variant has been classified as Pathogenic. This variant has not been reported in the literature in individuals affected with NPC1-related conditions. This variant is not present in population databases (gnomAD no frequency). This sequence change creates a premature translational stop signal (p.Leu864Argfs*71) in the NPC1 gene. It is expected to result in an absent or disrupted protein product. Loss-of-function variants in NPC1 are known to be pathogenic (PMID: 9211850).

Literature cited by the submitters: PubMed 9211850 (cited by Labcorp Genetics (formerly Invitae), Labcorp).

NM_000271.5(NPC1):c.2591_2594del (p.Leu864fs)

Gene: NPC1 (NPC intracellular cholesterol transporter 1; minus strand). Cytogenetic location: 18q11.2.
Variant type: Deletion.
Coding change: c.2591_2594del on transcript NM_000271.5 (MANE Select); coding-DNA positions 2591 to 2594, 4 bases deleted (TTTC; older notation c.2591_2594delTTTC).
Protein change: p.Leu864fs; shifts the reading frame from leucine 864.
Molecular consequence: frameshift variant.
Genome position (GRCh38, 1-based): chr18:23,540,458-23,540,461, GAAA deleted on the plus strand (TTTC on the coding strand, the reverse complement: NPC1 is on the minus strand); deleting any 4 consecutive bases within chr18:23,540,458-23,540,463 gives the same sequence; the c. name uses the placement nearest the transcript's 3' end. VCF-style (leftmost placement, unchanged base first): chr18-23540457-CGAAA-C. GRCh37 (hg19) VCF-style: chr18-21120421-CGAAA-C.
Other names: short protein forms L864fs.
Identifiers: ClinVar variation 2812189 (VCV002812189.4), dbSNP rs2511217914, ClinGen allele CA2641274348.
Genomic context (GRCh38, chr18:23,540,457, plus strand): 5'-TCATCATCAGCTAAAGAAGTTAAAAAAAAAAAAAAAAGGAAGTCATCTTACATCTGGCAT[CGAAA>C]GAGACTGATCCAATCCAATATCTACTTTGTTCAGGACTGCGATGCTGAATGACAGAACAC-3'